The following is an entry in ClinVar:

NM_033380.3(COL4A5):c.1912G>A (p.Gly638Ser)

Gene: COL4A5 (collagen type IV alpha 5 chain; plus strand). Cytogenetic location: Xq22.3.
Variant type: single nucleotide variant.
Coding change: c.1912G>A on transcript NM_033380.3 (MANE Select); coding-DNA position 1912, G replaced by A.
Protein change: p.Gly638Ser; replaces glycine 638 with serine.
Molecular consequence: missense variant.
Genome position (GRCh38, 1-based): chrX:108,598,834, G>A. VCF-style: chrX-108598834-G-A. GRCh37 (hg19) VCF-style: chrX-107842064-G-A.
Other names: c.1912G>A, p.Gly638Ser (NM_000495.5); c.1912G>A (NM_000495.4); short protein forms G638S.
Identifiers: ClinVar variation 24461 (VCV000024461.7), dbSNP rs104886147, ClinGen allele CA258573.
Genomic context (GRCh38, chrX:108,598,834, plus strand): 5'-GGGCCTATGGGTCCCCCTGGTTTCGGCCCTCCAGGCCCAGTAGGTGAAAAAGGCATACAA[G>A]GTGTGGCAGGAAATCCAGGCCAGCCAGGAATACCAGGTAAGTTTACTGTGTTTTGTTTTA-3'
Protein context (NP_203699.1, residues 628-648): PGPVGEKGIQ[Gly638Ser]VAGNPGQPGI

ClinVar aggregate classification (germline): Pathogenic. Review status: criteria provided, multiple submitters, no conflicts (2 of 4 stars). 2 submissions from 2 submitters: Pathogenic (2). Last evaluated 2024-12-01.

Conditions:
X-linked Alport syndrome (ATS1). Also called: COL4A5-Related Nephropathy; NEPHROPATHY AND DEAFNESS, X-LINKED. Identifiers: Orphanet 63, Orphanet 88917, MedGen C4746986, MONDO:0010520, OMIM 301050.

Submissions (2):

Genetic Services Laboratory, University of Chicago
Classification: Pathogenic. Last evaluated: 2024-12-01. Review status: criteria provided, single submitter. Criteria: ACMG Guidelines, 2015. Collection method: clinical testing. Allele origin: germline. Affected: yes.
Comment: DNA sequence analysis of the COL4A5 gene demonstrated a sequence change, c.1912G>A, in exon 25 that results in an amino acid change, p.Gly638Ser. This sequence change has not been described in population databases such as ExAC and gnomAD. The p.Gly638Ser change affects a highly conserved glycine residue located in the Gly-Xaa-Yaa repeats of the triple helix domain that is known to be critical for the function of the COL4A5 protein. The p.Gly638Ser substitution appears to be deleterious using several in-silico pathogenicity prediction tools (SIFT, PolyPhen2, Align GVGD, REVEL). This sequence change has previously been described in one individual in the heterozygous state with COL4A5-related Alport syndrome (PMID: 10094548, 10777371). Mosaicism has also been observed in individuals with COL4A5-related disorders (PMID 10777371, 26014433, 31312776, 32621070, 37495524). The p.Gly638Ser amino acid change occurs in a region of the COL4A5 gene where other missense sequence changes (p.Gly638Asp, p.Gly638Arg, p.Gly638Ala, and p.Gly638Val) have been described in individuals with COL4A5-related Alport syndrome (PMID: 7599631,10094548, 33040356). These collective evidences indicate that this sequence change is pathogenic, however functional studies have not been performed to prove this conclusively.

Molecular Biology Laboratory, Fundació Puigvert
Classification: Pathogenic for X-linked Alport syndrome. Last evaluated: 2020-02-01. Review status: criteria provided, single submitter. Criteria: ACMG Guidelines, 2015. Collection method: research. Allele origin: germline. Affected: yes. Study: KidneyPanel_2020.

Literature cited by the submitters: PubMed 33532864 (cited by Molecular Biology Laboratory, Fundació Puigvert).